The following is an entry in ClinVar:

NM_032119.4(ADGRV1):c.3416G>T (p.Trp1139Leu)

Gene: ADGRV1 (adhesion G protein-coupled receptor V1; plus strand). Cytogenetic location: 5q14.3.
Variant type: single nucleotide variant.
Coding change: c.3416G>T on transcript NM_032119.4 (MANE Select); coding-DNA position 3416, G replaced by T.
Protein change: p.Trp1139Leu; replaces tryptophan 1139 with leucine.
Molecular consequence: missense variant. On other transcripts: non-coding transcript variant (1).
Genome position (GRCh38, 1-based): chr5:90,651,730, G>T. VCF-style: chr5-90651730-G-T. GRCh37 (hg19) VCF-style: chr5-89947547-G-T.
Other names: short protein forms W1139L.
Identifiers: ClinVar variation 1008370 (VCV001008370.9), dbSNP rs1768655161, ClinGen allele CA360396065.
Genomic context (GRCh38, chr5:90,651,730, plus strand): 5'-GCATTTTTTCTCTGGAGCCCATAGACAAAGCAGTGGAAGAAGGAAAGACTAATGCATTTT[G>T]GTAAGCATATGTAGATAAGGCAAGTTTAAAATTGGGTGAAATAAAACCATTAAGTATGTG-3'
Protein context (NP_115495.3, residues 1129-1149): AVEEGKTNAF[Trp1139Leu]ILRHRGYFGS

ClinVar aggregate classification (germline): Likely pathogenic (1 of 4 stars; one submission).

Allele frequency attached by ClinVar (database versions not stated): gnomAD 0.00001.
gnomAD v4.1: 3 of 1,603,114 alleles (0.00019%); highest among the groups gnomAD compares: East Asian, 0.0045%; no homozygotes.

Submission:

Labcorp Genetics (formerly Invitae), Labcorp
Classification: Likely pathogenic. Last evaluated: 2024-02-23. Review status: criteria provided, single submitter. Criteria: Invitae Variant Classification Sherloc (09022015). Collection method: clinical testing. Allele origin: germline.
Comment: This sequence change replaces tryptophan, which is neutral and slightly polar, with leucine, which is neutral and non-polar, at codon 1139 of the ADGRV1 protein (p.Trp1139Leu). This variant also falls at the last nucleotide of exon 18, which is part of the consensus splice site for this exon. This variant is not present in population databases (gnomAD no frequency). This missense change has been observed in individual(s) with clinical features of Usher syndrome (Invitae). In at least one individual the data is consistent with being in trans (on the opposite chromosome) from a pathogenic variant. ClinVar contains an entry for this variant (Variation ID: 1008370). An algorithm developed to predict the effect of missense changes on protein structure and function (PolyPhen-2) suggests that this variant is likely to be disruptive. Variants that disrupt the consensus splice site are a relatively common cause of aberrant splicing (PMID: 17576681, 9536098). Algorithms developed to predict the effect of sequence changes on RNA splicing suggest that this variant may disrupt the consensus splice site. In summary, the currently available evidence indicates that the variant is pathogenic, but additional data are needed to prove that conclusively. Therefore, this variant has been classified as Likely Pathogenic.

Literature cited by the submitters: PubMed 17576681; PubMed 9536098.